The following is an entry in ClinVar:

ClinVar aggregate classification (germline): Conflicting classifications of pathogenicity. Review status: criteria provided, conflicting classifications (1 of 4 stars). 2 submissions from 2 submitters: Uncertain significance (1); Likely benign (1). Last evaluated 2024-05-13.

Conditions:
Developmental and epileptic encephalopathy 94 (DEE94). Also called: CHD2-Related Neurodevelopmental Disorders; Epileptic encephalopathy, childhood-onset. Identifiers: Orphanet 1942, Orphanet 2382, MedGen C3809278, MONDO:0014150, OMIM 615369.

Allele frequency attached by ClinVar (database versions not stated): gnomAD 0.00001; gnomAD exomes 0.00001; TOPMed 0.00001.
gnomAD v4.1: 13 of 1,612,802 alleles (0.00081%); highest among the groups gnomAD compares: African/African-American, 0.0027%; no homozygotes.

Submissions (2):

Labcorp Genetics (formerly Invitae), Labcorp
Classification: Uncertain significance for Developmental and epileptic encephalopathy 94. Last evaluated: 2024-05-13. Review status: criteria provided, single submitter. Criteria: Invitae Variant Classification Sherloc (09022015). Collection method: clinical testing. Allele origin: germline.
Comment: This sequence change replaces glutamic acid, which is acidic and polar, with glycine, which is neutral and non-polar, at codon 1129 of the CHD2 protein (p.Glu1129Gly). This variant is not present in population databases (gnomAD no frequency). This variant has not been reported in the literature in individuals affected with CHD2-related conditions. ClinVar contains an entry for this variant (Variation ID: 982687). Advanced modeling of protein sequence and biophysical properties (such as structural, functional, and spatial information, amino acid conservation, physicochemical variation, residue mobility, and thermodynamic stability) performed at Invitae indicates that this missense variant is not expected to disrupt CHD2 protein function with a negative predictive value of 95%. In summary, the available evidence is currently insufficient to determine the role of this variant in disease. Therefore, it has been classified as a Variant of Uncertain Significance.

Institute of Human Genetics, University of Leipzig Medical Center
Classification: Likely benign for Developmental and epileptic encephalopathy 94. Last evaluated: 2019-01-01. Review status: criteria provided, single submitter. Criteria: ACMG Guidelines, 2015. Collection method: clinical testing. Allele origin: unknown. Affected: yes.

NM_001271.4(CHD2):c.3386A>G (p.Glu1129Gly)

Gene: CHD2 (chromodomain helicase DNA binding protein 2; plus strand). Cytogenetic location: 15q26.1.
Variant type: single nucleotide variant.
Coding change: c.3386A>G on transcript NM_001271.4 (MANE Select); coding-DNA position 3386, A replaced by G.
Protein change: p.Glu1129Gly; replaces glutamic acid 1129 with glycine.
Molecular consequence: missense variant.
Genome position (GRCh38, 1-based): chr15:92,985,646, A>G. VCF-style: chr15-92985646-A-G. GRCh37 (hg19) VCF-style: chr15-93528876-A-G.
Other names: short protein forms E1129G.
Identifiers: ClinVar variation 982687 (VCV000982687.4), dbSNP rs927604763, ClinGen allele CA274860300.